The following is an entry in ClinVar:

NM_001204.7(BMPR2):c.3067G>A (p.Gly1023Ser)

Gene: BMPR2 (bone morphogenetic protein receptor type 2; plus strand). Cytogenetic location: 2q33.2.
Variant type: single nucleotide variant.
Coding change: c.3067G>A on transcript NM_001204.7 (MANE Select); coding-DNA position 3067, G replaced by A.
Protein change: p.Gly1023Ser; replaces glycine 1023 with serine.
Molecular consequence: missense variant.
Genome position (GRCh38, 1-based): chr2:202,559,896, G>A. VCF-style: chr2-202559896-G-A. GRCh37 (hg19) VCF-style: chr2-203424619-G-A.
Other names: short protein forms G1023S.
Identifiers: ClinVar variation 3481287 (VCV003481287.1).

ClinVar aggregate classification (germline): Uncertain significance (1 of 4 stars; one submission).

Conditions:
Inborn genetic diseases. Identifiers: MedGen C0950123, MeSH D030342.

gnomAD v4.1: 8 of 1,614,168 alleles (0.0005%); highest among the groups gnomAD compares: Non-Finnish European, 0.00068%; no homozygotes.

Submission:

Ambry Genetics
Classification: Uncertain significance for Inborn genetic diseases. Last evaluated: 2024-11-22. Review status: criteria provided, single submitter. Criteria: Ambry Variant Classification Scheme 2023. Collection method: clinical testing. Allele origin: germline.
Comment: The p.G1023S variant (also known as c.3067G>A), located in coding exon 13 of the BMPR2 gene, results from a G to A substitution at nucleotide position 3067. The glycine at codon 1023 is replaced by serine, an amino acid with similar properties. This amino acid position is conserved. In addition, the in silico prediction for this alteration is inconclusive. Based on the available evidence, the clinical significance of this variant remains unclear.